The following is an entry in ClinVar:

NM_007294.4(BRCA1):c.874del (p.Leu292fs)

Gene: BRCA1 (BRCA1 DNA repair associated; minus strand). Cytogenetic location: 17q21.31.
Variant type: Deletion.
Coding change: c.874del on transcript NM_007294.4 (MANE Select); coding-DNA position 874, one base deleted (C; older notation c.874delC).
Protein change: p.Leu292fs; shifts the reading frame from leucine 292.
Molecular consequence: frameshift variant. On other transcripts: intron variant (137), 5 prime UTR variant (2).
Genome position (GRCh38, 1-based): chr17:43,094,657, G deleted on the plus strand (C on the coding strand, the reverse complement: BRCA1 is on the minus strand). VCF-style (leftmost placement, unchanged base first): chr17-43094656-AG-A. GRCh37 (hg19) VCF-style: chr17-41246673-AG-A.
Other names: 993delC; c.664+87del (NM_001408438.1, NM_001408430.1, NM_001408427.1 and 12 more transcripts); c.670+1189del (NM_001408423.1, NM_001408420.1, NM_001408419.1 and 2 more transcripts); c.787+87del (NM_001408404.1, NM_001408472.1, NM_001407990.1 and 19 more transcripts); c.577+87del (NM_001408492.1, NM_001408513.1, NM_001408489.1 and 9 more transcripts); c.643+87del (NM_001408468.1, NM_001408465.1, NM_001408463.1 and 3 more transcripts); c.523+87del (NM_001408501.1, NM_001408500.1, NM_001408497.1 and 3 more transcripts); c.646+87del (NM_001408455.1, NM_001408466.1, NM_001408452.1 and 11 more transcripts); and 42 more; short protein forms L292fs, L245fs, L181fs, L204fs, L221fs, L224fs, L251fs, L265fs.
Identifiers: ClinVar variation 266589 (VCV000266589.6), dbSNP rs886040329, ClinGen allele CA10589983.

ClinVar aggregate classification (germline): Pathogenic. Review status: reviewed by expert panel (3 of 4 stars). 2 submissions from 2 submitters: Pathogenic (1). 1 of the submissions does not count toward it. Last evaluated 2016-10-18.

Conditions:
Breast-ovarian cancer, familial, susceptibility to, 1 (BROVCA1). Also called: BRCA1 Hereditary Breast and Ovarian Cancer; OVARIAN CANCER, SUSCEPTIBILITY TO. Identifiers: Orphanet 145, MedGen C2676676, MONDO:0011450, OMIM 604370. Disease mechanism: loss of function.

Submissions (2):

Evidence-based Network for the Interpretation of Germline Mutant Alleles (ENIGMA)
Classification: Pathogenic for Breast-ovarian cancer, familial, susceptibility to, 1. Last evaluated: 2016-10-18. Review status: reviewed by expert panel. Criteria: ENIGMA BRCA1/2 Classification Criteria (2015). Collection method: curation. Allele origin: germline.
Comment: Variant allele predicted to encode a truncated non-functional protein.

Consortium of Investigators of Modifiers of BRCA1/2 (CIMBA), c/o University of Cambridge
Classification: Pathogenic for Breast-ovarian cancer, familial, susceptibility to, 1. Last evaluated: 2015-10-02. Review status: criteria provided, single submitter. Criteria: CIMBA Mutation Classification guidelines May 2016. Collection method: clinical testing. Allele origin: germline. Not counted in ClinVar's aggregate classification.